The following is an entry in ClinVar:

NM_001036.6(RYR3):c.1007G>A (p.Arg336Gln)

Gene: RYR3 (ryanodine receptor 3; plus strand). Cytogenetic location: 15q14.
Variant type: single nucleotide variant.
Coding change: c.1007G>A on transcript NM_001036.6 (MANE Select); coding-DNA position 1007, G replaced by A.
Protein change: p.Arg336Gln; replaces arginine 336 with glutamine.
Molecular consequence: missense variant.
Genome position (GRCh38, 1-based): chr15:33,562,871, G>A. VCF-style: chr15-33562871-G-A. GRCh37 (hg19) VCF-style: chr15-33855072-G-A.
Other names: c.1007G>A, p.Arg336Gln (NM_001243996.4); c.1007G>A (NM_001036.3); short protein forms R336Q.
Identifiers: ClinVar variation 767294 (VCV000767294.14), dbSNP rs61748999, ClinGen allele CA7457998.

ClinVar aggregate classification (germline): Conflicting classifications of pathogenicity. Review status: criteria provided, conflicting classifications (1 of 4 stars). 4 submissions from 4 submitters: Uncertain significance (2); Likely benign (2). Last evaluated 2025-11-12.

Conditions:
Epileptic encephalopathy. Identifiers: MedGen C0543888, HP:0200134.
RYR3-related disorder. Also called: RYR3-related condition.

Allele frequency attached by ClinVar (database versions not stated): gnomAD exomes 0.00008 and 0.00025; ExAC 0.00028; gnomAD 0.00061 and 0.00064; TOPMed 0.00082; ESP Exome Variant Server 0.00092; 1000 Genomes Project 0.00140; 1000 Genomes Project 30x 0.00156.
gnomAD v4.1: 226 of 1,613,320 alleles (0.014%); highest among the groups gnomAD compares: African/African-American, 0.21%; no homozygotes.

Submissions (4):

Ambry Genetics
Classification: Uncertain significance. Last evaluated: 2025-11-12. Review status: criteria provided, single submitter. Criteria: Ambry Variant Classification Scheme 2023. Collection method: clinical testing. Allele origin: germline.

PreventionGenetics, part of Exact Sciences
Classification: Likely benign for RYR3-related condition. Last evaluated: 2025-09-11. Review status: criteria provided, single submitter. Criteria: ACMG Guidelines, 2015. Collection method: clinical testing. Allele origin: germline.
Comment: This variant is classified as likely benign based on ACMG/AMP sequence variant interpretation guidelines (Richards et al. 2015 PMID: 25741868, with internal and published modifications).

Dasa
Classification: Uncertain significance. Last evaluated: 2025-06-24. Review status: criteria provided, single submitter. Criteria: DASA Assertion Criteria. Collection method: clinical testing. Allele origin: germline.
Comment: NM_001036.6(RYR3):c.1007G>A (p.Arg336Gln) is a missense variant that results in the substitution of arginine with glutamine. This variant is rare in population databases. The currently available literature and clinical evidence are not sufficient to establish a definitive association between this variant and the reported condition. Therefore, this variant is classified as a variant of uncertain significance.

Labcorp Genetics (formerly Invitae), Labcorp
Classification: Likely benign for Epileptic encephalopathy. Last evaluated: 2022-08-09. Review status: criteria provided, single submitter. Criteria: Invitae Variant Classification Sherloc (09022015). Collection method: clinical testing. Allele origin: germline.